The following is an entry in ClinVar:

ClinVar aggregate classification (germline): Uncertain significance (1 of 4 stars; one submission).

Submission:

Ambry Genetics
Classification: Uncertain significance. Last evaluated: 2025-02-08. Review status: criteria provided, single submitter. Criteria: Ambry Variant Classification Scheme 2023. Collection method: clinical testing. Allele origin: germline.
Comment: The p.A938S variant (also known as c.2812G>T), located in coding exon 9 of the CDK12 gene, results from a G to T substitution at nucleotide position 2812. The alanine at codon 938 is replaced by serine, an amino acid with similar properties. This amino acid position is conserved. In addition, this alteration is predicted to be tolerated by in silico analysis. Based on the available evidence, the clinical significance of this variant remains unclear.

NM_016507.4(CDK12):c.2812G>T (p.Ala938Ser)

Gene: CDK12 (cyclin dependent kinase 12; plus strand). Cytogenetic location: 17q12.
Variant type: single nucleotide variant.
Coding change: c.2812G>T on transcript NM_016507.4 (MANE Select); coding-DNA position 2812, G replaced by T.
Protein change: p.Ala938Ser; replaces alanine 938 with serine.
Molecular consequence: missense variant.
Genome position (GRCh38, 1-based): chr17:39,515,774, G>T. VCF-style: chr17-39515774-G-T. GRCh37 (hg19) VCF-style: chr17-37672027-G-T.
Other names: c.2812G>T, p.Ala938Ser (NM_015083.4); short protein forms A938S.
Identifiers: ClinVar variation 3830637 (VCV003830637.1).
Genomic context (GRCh38, chr17:39,515,774, plus strand): 5'-AATTTTACCTTTTCTAGATGTATTCTTGGGGAACTATTCACAAAGAAGCCTATTTTTCAA[G>T]CCAATCTGGAACTGGCTCAGCTAGAACTGATCAGGTACAGCTGTACATGTGCTCTTGAGT-3'
Protein context (NP_057591.2, residues 928-948): ELFTKKPIFQ[Ala938Ser]NLELAQLELI